The following is an entry in ClinVar:

ClinVar aggregate classification (germline): Uncertain significance (1 of 4 stars; one submission).

Submission:

GeneDx
Classification: Uncertain significance. Last evaluated: 2024-09-18. Review status: criteria provided, single submitter. Criteria: GeneDx Variant Classification Process June 2021. Collection method: clinical testing. Allele origin: germline. Affected: yes.
Comment: Not observed at significant frequency in large population cohorts (gnomAD); In silico analysis supports that this missense variant has a deleterious effect on protein structure/function; Has not been previously published as pathogenic or benign to our knowledge

NM_003403.5(YY1):c.1100A>C (p.Asp367Ala)

Gene: YY1 (YY1 transcription factor; plus strand). Cytogenetic location: 14q32.2.
Variant type: single nucleotide variant.
Coding change: c.1100A>C on transcript NM_003403.5 (MANE Select); coding-DNA position 1100, A replaced by C.
Protein change: p.Asp367Ala; replaces aspartic acid 367 with alanine.
Molecular consequence: missense variant.
Genome position (GRCh38, 1-based): chr14:100,277,455, A>C. VCF-style: chr14-100277455-A-C. GRCh37 (hg19) VCF-style: chr14-100743792-A-C.
Other names: short protein forms D367A.
Identifiers: ClinVar variation 3774233 (VCV003774233.1).